The following is an entry in ClinVar:

ClinVar aggregate classification (germline): Pathogenic (1 of 4 stars; one submission).

Submission:

Labcorp Genetics (formerly Invitae), Labcorp
Classification: Pathogenic. Last evaluated: 2021-03-17. Review status: criteria provided, single submitter. Criteria: Invitae Variant Classification Sherloc (09022015). Collection method: clinical testing. Allele origin: germline.
Comment: For these reasons, this variant has been classified as Pathogenic. Algorithms developed to predict the effect of sequence changes on RNA splicing suggest that this variant may disrupt the consensus splice site, but this prediction has not been confirmed by published transcriptional studies. This variant has not been reported in the literature in individuals with KLHL7-related conditions. This variant is not present in population databases (ExAC no frequency). This sequence change creates a premature translational stop signal (p.Gln206Argfs*10) in the KLHL7 gene. It is expected to result in an absent or disrupted protein product. Loss-of-function variants in KLHL7 are known to be pathogenic (PMID: 27392078, 29074562, 30426380, 31953236).

Literature cited by the submitters: PubMed 27392078; PubMed 29074562; PubMed 30426380; PubMed 31953236.

NM_001031710.3(KLHL7):c.617del (p.Gln206fs)

Gene: KLHL7 (kelch like family member 7; plus strand). Cytogenetic location: 7p15.3.
Variant type: Deletion.
Coding change: c.617del on transcript NM_001031710.3 (MANE Select); coding-DNA position 617, one base deleted (A; older notation c.617delA).
Protein change: p.Gln206fs; shifts the reading frame from glutamine 206.
Molecular consequence: frameshift variant. On other transcripts: non-coding transcript variant (1).
Genome position (GRCh38, 1-based): chr7:23,140,943, A deleted. VCF-style (leftmost placement, unchanged base first): chr7-23140942-CA-C. GRCh37 (hg19) VCF-style: chr7-23180561-CA-C.
Other names: c.473del, p.Gln158fs (NM_018846.5); short protein forms Q158fs, Q206fs.
Identifiers: ClinVar variation 1384460 (VCV001384460.6), dbSNP rs2128464407, ClinGen allele CA2573142057.